The following is an entry in ClinVar:

NM_001282874.2(SMARCA1):c.2098-7C>T

Gene: SMARCA1 (SNF2 related chromatin remodeling ATPase 1; minus strand). Cytogenetic location: Xq25.
Variant type: single nucleotide variant.
Coding change: c.2098-7C>T on transcript NM_001282874.2 (MANE Select); 7 bases into the intron before coding-DNA position 2098, C replaced by T.
Molecular consequence: intron variant.
Genome position (GRCh38, 1-based): chrX:129,487,144, G>A on the plus strand (C>T on the coding strand, the complement: SMARCA1 is on the minus strand). VCF-style: chrX-129487144-G-A. GRCh37 (hg19) VCF-style: chrX-128621121-G-A.
Other names: c.2062-7C>T (NM_001282875.2, NM_001378264.1, NM_001378263.1 and 1 more transcripts); c.2098-7C>T (NM_001378261.1, NM_003069.5).
Identifiers: ClinVar variation 1703068 (VCV001703068.3), dbSNP rs2521591080, ClinGen allele CA2580100320.
Genomic context (GRCh38, chrX:129,487,144, plus strand): 5'-ATTTCTTAGAGAAGACTCTCCCATTTTTTGCAGGCGTTCATTCATCTCTGCAGTCTAAAG[G>A]TGAAAACATTGAAATGAGAAAATTATCACTGAATTACTTGTAAAAGTCTGTGGATTCTCT-3'

ClinVar aggregate classification (germline): Uncertain significance (1 of 4 stars; one submission).

Allele frequency attached by ClinVar (database versions not stated): gnomAD exomes below 0.00001.
gnomAD v4.1: 2 of 1,136,402 alleles (0.00018%); highest among the groups gnomAD compares: Non-Finnish European, 0.00012%; no homozygotes.

Submission:

Greenwood Genetic Center Diagnostic Laboratories, Greenwood Genetic Center
Classification: Uncertain significance. Last evaluated: 2022-04-08. Review status: criteria provided, single submitter. Criteria: ACMG Guidelines, 2015. Collection method: clinical testing. Allele origin: germline. Affected: yes.
Comment: Gene of Uncertain Significance